The following is an entry in ClinVar:

NM_003900.5(SQSTM1):c.210G>C (p.Glu70Asp)

Gene: SQSTM1 (sequestosome 1; plus strand). Cytogenetic location: 5q35.3.
Variant type: single nucleotide variant.
Coding change: c.210G>C on transcript NM_003900.5 (MANE Select); coding-DNA position 210, G replaced by C.
Protein change: p.Glu70Asp; replaces glutamic acid 70 with aspartic acid.
Molecular consequence: missense variant. On other transcripts: 5 prime UTR variant (2).
Genome position (GRCh38, 1-based): chr5:179,822,962, G>C. VCF-style: chr5-179822962-G-C. GRCh37 (hg19) VCF-style: chr5-179249962-G-C.
Other names: c.-43G>C (NM_001142298.2, NM_001142299.2); short protein forms E70D.
Identifiers: ClinVar variation 1426786 (VCV001426786.9), dbSNP rs2113484986, ClinGen allele CA362442967.

ClinVar aggregate classification (germline): Uncertain significance. Review status: criteria provided, multiple submitters, no conflicts (2 of 4 stars). 2 submissions from 2 submitters: Uncertain significance (2). Last evaluated 2025-09-10.

Conditions:
Paget disease of bone 2, early-onset (PDB2). Also called: Paget disease of bone 2. Identifiers: MedGen C4085251, MONDO:0011183, OMIM 602080.
Frontotemporal dementia and/or amyotrophic lateral sclerosis 1 (FTDALS1). Also called: Frontotemporal dementia with motor neuron disease 1; C9orf72 Frontotemporal Dementia and/or Amyotrophic Lateral Sclerosis. Identifiers: Orphanet 275872, MedGen C5779877, MONDO:0007105, OMIM 105550.
Frontotemporal dementia and/or amyotrophic lateral sclerosis 3. Also called: FTDALS3. Identifiers: Orphanet 275864, Orphanet 275872, Orphanet 803, MedGen C4225326, MONDO:0014640, OMIM 616437.

Submissions (2):

Genomic Medicine Center of Excellence, King Faisal Specialist Hospital and Research Centre
Classification: Uncertain significance for Frontotemporal dementia and/or amyotrophic lateral sclerosis 3. Last evaluated: 2025-09-10. Review status: criteria provided, single submitter. Criteria: ACMG Guidelines, 2015. Collection method: clinical testing. Allele origin: germline.

Labcorp Genetics (formerly Invitae), Labcorp
Classification: Uncertain significance for Paget disease of bone 2, early-onset; Frontotemporal dementia and/or amyotrophic lateral sclerosis 1. Last evaluated: 2021-04-04. Review status: criteria provided, single submitter. Criteria: Invitae Variant Classification Sherloc (09022015). Collection method: clinical testing. Allele origin: germline.
Comment: Algorithms developed to predict the effect of missense changes on protein structure and function are either unavailable or do not agree on the potential impact of this missense change (SIFT: "Tolerated"; PolyPhen-2: "Possibly Damaging"; Align-GVGD: "Class C0"). This sequence change replaces glutamic acid with aspartic acid at codon 70 of the SQSTM1 protein (p.Glu70Asp). The glutamic acid residue is highly conserved and there is a small physicochemical difference between glutamic acid and aspartic acid. This variant is not present in population databases (ExAC no frequency). This variant has not been reported in the literature in individuals with SQSTM1-related conditions. In summary, the available evidence is currently insufficient to determine the role of this variant in disease. Therefore, it has been classified as a Variant of Uncertain Significance.